The following is an entry in ClinVar:

NM_000219.6(KCNE1):c.191G>T (p.Ser64Ile)

Gene: KCNE1 (potassium voltage-gated channel subfamily E regulatory subunit 1; minus strand). Cytogenetic location: 21q22.12.
Variant type: single nucleotide variant.
Coding change: c.191G>T on transcript NM_000219.6 (MANE Select); coding-DNA position 191, G replaced by T.
Protein change: p.Ser64Ile; replaces serine 64 with isoleucine.
Molecular consequence: missense variant.
Genome position (GRCh38, 1-based): chr21:34,449,444, C>A on the plus strand (G>T on the coding strand, the complement: KCNE1 is on the minus strand). VCF-style: chr21-34449444-C-A. GRCh37 (hg19) VCF-style: chr21-35821742-C-A.
Other names: c.191G>T, p.Ser64Ile (NM_001127668.4, NM_001127669.4, NM_001127670.4 and 4 more transcripts); c.191G>T (NM_000219.3); short protein forms S64I.
Identifiers: ClinVar variation 1427894 (VCV001427894.12), dbSNP rs1382168637, ClinGen allele CA410198301.

ClinVar aggregate classification (germline): Uncertain significance. Review status: criteria provided, multiple submitters, no conflicts (2 of 4 stars). 3 submissions from 3 submitters: Uncertain significance (3). Last evaluated 2024-02-03.

Conditions:
Cardiovascular phenotype. Identifiers: MedGen CN230736.
Jervell and Lange-Nielsen syndrome 2 (JLNS2). Identifiers: Orphanet 768, Orphanet 90647, MedGen C2676723, MONDO:0012871, OMIM 612347.
Long QT syndrome 5 (LQT5). Identifiers: Orphanet 101016, Orphanet 768, MedGen C1867904, MONDO:0013372, OMIM 613695.
Long QT syndrome (LQTS). Identifiers: MedGen C0023976, MeSH D008133, MONDO:0002442. Disease mechanism: loss of function. Inheritance: Various modes of inheritance.

Allele frequency attached by ClinVar (database versions not stated): TOPMed 0.00001.

Submissions (4):

Labcorp Genetics (formerly Invitae), Labcorp
Classification: Uncertain significance for Long QT syndrome. Last evaluated: 2024-02-03. Review status: criteria provided, single submitter. Criteria: Invitae Variant Classification Sherloc (09022015). Collection method: clinical testing. Allele origin: germline.
Comment: This sequence change replaces serine, which is neutral and polar, with isoleucine, which is neutral and non-polar, at codon 64 of the KCNE1 protein (p.Ser64Ile). This variant is not present in population databases (gnomAD no frequency). This variant has not been reported in the literature in individuals affected with KCNE1-related conditions. ClinVar contains an entry for this variant (Variation ID: 1427894). Advanced modeling of protein sequence and biophysical properties (such as structural, functional, and spatial information, amino acid conservation, physicochemical variation, residue mobility, and thermodynamic stability) has been performed at Invitae for this missense variant, however the output from this modeling did not meet the statistical confidence thresholds required to predict the impact of this variant on KCNE1 protein function. In summary, the available evidence is currently insufficient to determine the role of this variant in disease. Therefore, it has been classified as a Variant of Uncertain Significance.

Ambry Genetics
Classification: Uncertain significance for Cardiovascular phenotype. Last evaluated: 2023-02-16. Review status: criteria provided, single submitter. Criteria: Ambry Variant Classification Scheme 2023. Collection method: clinical testing. Allele origin: germline.
Comment: The p.S64I variant (also known as c.191G>T), located in coding exon 1 of the KCNE1 gene, results from a G to T substitution at nucleotide position 191. The serine at codon 64 is replaced by isoleucine, an amino acid with dissimilar properties. This amino acid position is conserved. In addition, this alteration is predicted to be deleterious by in silico analysis. Since supporting evidence is limited at this time, the clinical significance of this alteration remains unclear.

Fulgent Genetics
Classification: Uncertain significance for Jervell and Lange-Nielsen syndrome 2; Long QT syndrome 5. Last evaluated: 2021-11-11. Review status: criteria provided, single submitter. Criteria: ACMG Guidelines, 2015. Collection method: clinical testing. Allele origin: unknown.

Roden Lab, Vanderbilt University Medical Center
No classification provided (evidence only). Condition: Long QT syndrome 5. Review status: no classification provided. Collection method: in vitro. Allele origin: not applicable. Functional consequence: Effect on ion channel function. Not counted in ClinVar's aggregate classification.
ClinVar note: "not provided" was previously submitted as the classification for the variant. However, the classification appeared to be based only on an observation of functional data so it was converted to no classification on 2025-07-30.